The following is an entry in ClinVar:

NM_000179.3(MSH6):c.846G>A (p.Val282=)

Gene: MSH6 (mutS homolog 6; plus strand). Cytogenetic location: 2p16.3.
Variant type: single nucleotide variant.
Coding change: c.846G>A on transcript NM_000179.3 (MANE Select); coding-DNA position 846, G replaced by A.
Protein change: p.Val282=; no amino-acid change (valine 282 retained).
Molecular consequence: synonymous variant. On other transcripts: 5 prime UTR variant (2).
Genome position (GRCh38, 1-based): chr2:47,798,829, G>A. VCF-style: chr2-47798829-G-A. GRCh37 (hg19) VCF-style: chr2-48025968-G-A.
Other names: c.456G>A, p.Val152= (NM_001281492.2); c.-61G>A (NM_001281493.2, NM_001281494.2).
Identifiers: ClinVar variation 389519 (VCV000389519.13), dbSNP rs573638836, ClinGen allele CA16604298.
Genomic context (GRCh38, chr2:47,798,829, plus strand): 5'-TGTGGAATTTAAGCCAGACACTAAGGAGGAAGGAAGCAGTGATGAAATAAGCAGTGGAGT[G>A]GGGGATAGTGAGAGTGAAGGCCTGAACAGCCCTGTCAAAGTTGCTCGAAAGCGGAAGAGA-3'
Protein context (NP_000170.1, residues 272-292): EGSSDEISSG[Val282=]GDSESEGLNS

ClinVar aggregate classification (germline): Benign/Likely benign. Review status: criteria provided, multiple submitters, no conflicts (2 of 4 stars). 4 submissions from 4 submitters: Benign (1); Likely benign (3). Last evaluated 2024-12-20.

Conditions:
Hereditary nonpolyposis colorectal neoplasms. Identifiers: MedGen C0009405, MeSH D003123.
Lynch syndrome 5 (LYNCH5). Also called: Hereditary non-polyposis colorectal cancer, type 5; Colorectal cancer, hereditary nonpolyposis, type 5. Identifiers: Orphanet 144, MedGen C1833477, MONDO:0013710, OMIM 614350. Disease mechanism: loss of function.
Hereditary cancer-predisposing syndrome. Also called: Hereditary Cancer Syndrome; Hereditary neoplastic syndrome; Neoplastic Syndromes, Hereditary; Tumor predisposition. Identifiers: Orphanet 140162, MedGen C0027672, MeSH D009386, MONDO:0015356.

gnomAD v4.1: 1 of 1,614,160 alleles (0.000062%); highest among the groups gnomAD compares: South Asian, 0.0011%; no homozygotes.

Submissions (4):

Myriad Genetics, Inc.
Classification: Benign for Lynch syndrome 5. Last evaluated: 2024-12-20. Review status: criteria provided, single submitter. Criteria: Myriad Autosomal Dominant, Autosomal Recessive and X-Linked Classification Criteria (2023). Collection method: clinical testing. Allele origin: unknown.
Comment: This variant is considered benign. This variant is a silent/synonymous amino acid change and it is not expected to impact splicing.

Labcorp Genetics (formerly Invitae), Labcorp
Classification: Likely benign for Hereditary nonpolyposis colorectal neoplasms. Last evaluated: 2021-11-09. Review status: criteria provided, single submitter. Criteria: Invitae Variant Classification Sherloc (09022015). Collection method: clinical testing. Allele origin: germline.

Color Diagnostics, LLC DBA Color Health
Classification: Likely benign for Hereditary cancer-predisposing syndrome. Last evaluated: 2019-03-20. Review status: criteria provided, single submitter. Criteria: ACMG Guidelines, 2015. Collection method: clinical testing. Allele origin: germline.

GeneDx
Classification: Likely benign. Last evaluated: 2016-09-21. Review status: criteria provided, single submitter. Criteria: GeneDx Variant Classification (06012015). Collection method: clinical testing. Allele origin: germline. Affected: yes.
Comment: This variant is considered likely benign or benign based on one or more of the following criteria: it is a conservative change, it occurs at a poorly conserved position in the protein, it is predicted to be benign by multiple in silico algorithms, and/or has population frequency not consistent with disease.